The following is an entry in ClinVar:

ClinVar aggregate classification (germline): Pathogenic (1 of 4 stars; one submission).

Conditions:
Glycogen storage disease type III (GSD3). Also called: Cori disease; FORBES DISEASE. Identifiers: Orphanet 366, MedGen C0017922, MONDO:0009291, OMIM 232400.

Submission:

Labcorp Genetics (formerly Invitae), Labcorp
Classification: Pathogenic for Glycogen storage disease type III. Last evaluated: 2019-06-29. Review status: criteria provided, single submitter. Criteria: Invitae Variant Classification Sherloc (09022015). Collection method: clinical testing. Allele origin: germline.
Comment: For these reasons, this variant has been classified as Pathogenic. Loss-of-function variants in AGL are known to be pathogenic (PMID: 19299494). This variant has not been reported in the literature in individuals with AGL-related conditions. This variant is not present in population databases (ExAC no frequency). This sequence change creates a premature translational stop signal (p.Tyr1424Leufs*6) in the AGL gene. It is expected to result in an absent or disrupted protein product.

Literature cited by the submitters: PubMed 19299494.

NM_000642.3(AGL):c.4270dup (p.Tyr1424fs)

Gene: AGL (amylo-alpha-1,6-glucosidase and 4-alpha-glucanotransferase; plus strand). Cytogenetic location: 1p21.2.
Variant type: Duplication.
Coding change: c.4270dup on transcript NM_000642.3 (MANE Select); coding-DNA position 4270, one base duplicated (T; older notation c.4270dupT).
Protein change: p.Tyr1424fs; shifts the reading frame from tyrosine 1424.
Molecular consequence: frameshift variant.
Genome position (GRCh38, 1-based): chr1:99,916,420, T duplicated; the last of 3 consecutive T bases (chr1:99,916,418-99,916,420); duplicating any one gives the same sequence. VCF-style (leftmost placement, unchanged base first): chr1-99916417-G-GT. GRCh37 (hg19) VCF-style: chr1-100381973-G-GT.
Other names: c.4249dup, p.Tyr1417Leufs (NM_001425326.1); c.4069dup, p.Tyr1357Leufs (NM_001425327.1); c.4066dup, p.Tyr1356Leufs (NM_001425328.1); c.3931dup, p.Tyr1311Leufs (NM_001425329.1); c.3892dup, p.Tyr1298Leufs (NM_001425332.1); c.4222dup, p.Tyr1408Leufs (NM_000646.3); c.4270dup, p.Tyr1424Leufs (NM_001425325.1, NM_000028.3, NM_000643.3 and 1 more transcripts); short protein forms Y1408fs, Y1424fs.
Identifiers: ClinVar variation 942588 (VCV000942588.7), dbSNP rs1655117230, ClinGen allele CA1139656259.
Genomic context (GRCh38, chr1:99,916,417, plus strand): 5'-TTACATAATATCTGATCATCTTTTATTTAACTTAAATTTCAATCATTTTGCAGTGATATG[G>GT]TTTACTGTGGAATTTATGACAATGCATTAGACAATGACAACTACAATCTTGCTAAAGGTT-3'